The following is an entry in ClinVar:

NM_003748.4(ALDH4A1):c.960_964del (p.His321fs)

Gene: ALDH4A1 (aldehyde dehydrogenase 4 family member A1; minus strand). Cytogenetic location: 1p36.13.
Variant type: Deletion.
Coding change: c.960_964del on transcript NM_003748.4 (MANE Select); coding-DNA positions 960 to 964, 5 bases deleted (CCACT; older notation c.960_964delCCACT).
Protein change: p.His321fs; shifts the reading frame from histidine 321.
Molecular consequence: frameshift variant.
Genome position (GRCh38, 1-based): chr1:18,877,589-18,877,593, AGTGG deleted on the plus strand (CCACT on the coding strand, the reverse complement: ALDH4A1 is on the minus strand); deleting any 5 consecutive bases within chr1:18,877,589-18,877,594 gives the same sequence; the c. name uses the placement nearest the transcript's 3' end. VCF-style (leftmost placement, unchanged base first): chr1-18877588-AAGTGG-A. GRCh37 (hg19) VCF-style: chr1-19204082-AAGTGG-A.
Other names: c.780_784del, p.His261fs (NM_001161504.2); c.960_964del, p.His321fs (NM_001319218.2, NM_170726.3); short protein forms H321fs, H261fs.
Identifiers: ClinVar variation 3705082 (VCV003705082.2).

ClinVar aggregate classification (germline): Pathogenic (1 of 4 stars; one submission).

Conditions:
Hyperprolinemia type 2 (HYRPRO2). Also called: Delta-1-pyrroline-5-carboxylate dehydrogenase deficiency; 1-PYRROLINE-5-CARBOXYLATE DEHYDROGENASE DEFICIENCY; Deficiency of pyrroline-5-carboxylate reductase. Identifiers: Orphanet 79101, MedGen C2931835, MONDO:0009401, OMIM 239510.

Submission:

Labcorp Genetics (formerly Invitae), Labcorp
Classification: Pathogenic for Hyperprolinemia type 2. Last evaluated: 2024-07-03. Review status: criteria provided, single submitter. Criteria: Invitae Variant Classification Sherloc (09022015). Collection method: clinical testing. Allele origin: germline.
Comment: This sequence change creates a premature translational stop signal (p.His321Argfs*71) in the ALDH4A1 gene. It is expected to result in an absent or disrupted protein product. Loss-of-function variants in ALDH4A1 are known to be pathogenic (PMID: 956388, 4369405, 9700195). This variant is present in population databases (rs752281738, gnomAD 0.003%). This variant has not been reported in the literature in individuals affected with ALDH4A1-related conditions. For these reasons, this variant has been classified as Pathogenic.

Literature cited by the submitters: PubMed 956388; PubMed 4369405; PubMed 9700195.